The following is an entry in ClinVar:

ClinVar aggregate classification (germline): Pathogenic (1 of 4 stars; one submission).

Conditions:
Developmental and epileptic encephalopathy, 54. Also called: Epileptic encephalopathy, early infantile, 54; HNRNPU-Related Neurodevelopmental Disorder. Identifiers: MedGen C4479319, MONDO:0033363, OMIM 617391.

Submission:

Institute of Human Genetics, University of Leipzig Medical Center
Classification: Pathogenic for Developmental and epileptic encephalopathy, 54. Last evaluated: 2025-11-24. Review status: criteria provided, single submitter. Criteria: ACMG Guidelines, 2015. Collection method: clinical testing. Allele origin: unknown. Inheritance: Autosomal dominant inheritance. Affected: yes.
Comment: Criteria applied: PVS1,PM2

NM_031844.3(HNRNPU):c.115C>T (p.Gln39Ter)

Gene: HNRNPU (heterogeneous nuclear ribonucleoprotein U; minus strand). Cytogenetic location: 1q44.
Variant type: single nucleotide variant.
Coding change: c.115C>T on transcript NM_031844.3 (MANE Select); coding-DNA position 115, C replaced by T.
Protein change: p.Gln39Ter; replaces glutamine 39 with a stop codon.
Molecular consequence: nonsense.
Genome position (GRCh38, 1-based): chr1:244,864,193, G>A on the plus strand (C>T on the coding strand, the complement: HNRNPU is on the minus strand). VCF-style: chr1-244864193-G-A. GRCh37 (hg19) VCF-style: chr1-245027495-G-A.
Other names: c.115C>T, p.Gln39Ter (NM_004501.3); short protein forms Q39*.
Identifiers: ClinVar variation 4533320 (VCV004533320.1).